The following is an entry in ClinVar:

ClinVar aggregate classification (germline): Uncertain significance (1 of 4 stars; one submission).

Submission:

Labcorp Genetics (formerly Invitae), Labcorp
Classification: Uncertain significance. Last evaluated: 2022-06-27. Review status: criteria provided, single submitter. Criteria: Invitae Variant Classification Sherloc (09022015). Collection method: clinical testing. Allele origin: germline.
Comment: In summary, the available evidence is currently insufficient to determine the role of this variant in disease. Therefore, it has been classified as a Variant of Uncertain Significance. This sequence change replaces valine, which is neutral and non-polar, with leucine, which is neutral and non-polar, at codon 375 of the RASA2 protein (p.Val375Leu). This variant is not present in population databases (gnomAD no frequency). This variant has not been reported in the literature in individuals affected with RASA2-related conditions. Algorithms developed to predict the effect of missense changes on protein structure and function (SIFT, PolyPhen-2, Align-GVGD) all suggest that this variant is likely to be tolerated.

NM_006506.5(RASA2):c.1123G>C (p.Val375Leu)

Gene: RASA2 (RAS p21 protein activator 2; plus strand). Cytogenetic location: 3q23.
Variant type: single nucleotide variant.
Coding change: c.1123G>C on transcript NM_006506.5 (MANE Select); coding-DNA position 1123, G replaced by C.
Protein change: p.Val375Leu; replaces valine 375 with leucine.
Molecular consequence: missense variant.
Genome position (GRCh38, 1-based): chr3:141,571,508, G>C. VCF-style: chr3-141571508-G-C. GRCh37 (hg19) VCF-style: chr3-141290350-G-C.
Other names: c.1123G>C, p.Val375Leu (NM_001303245.3, NM_001303246.3); short protein forms V375L.
Identifiers: ClinVar variation 1442521 (VCV001442521.8), dbSNP rs747036809, ClinGen allele CA354776206.